The following is an entry in ClinVar:

ClinVar aggregate classification (germline): Likely benign (1 of 4 stars; one submission).

Allele frequency attached by ClinVar (database versions not stated): ESP Exome Variant Server 0.00023; ExAC 0.00008; gnomAD 0.00010; gnomAD exomes 0.00010; TOPMed 0.00011.
gnomAD v4.1: 179 of 1,611,530 alleles (0.011%); highest among the groups gnomAD compares: Middle Eastern, 0.16%; no homozygotes.

Submission:

CeGaT Center for Human Genetics Tuebingen
Classification: Likely benign. Last evaluated: 2022-07-01. Review status: criteria provided, single submitter. Criteria: CeGaT Center For Human Genetics Tuebingen Variant Classification Criteria Version 2. Collection method: clinical testing. Allele origin: germline. Affected: yes. Observed: 1 variant allele.
Comment: YTHDC2: BP4, BP7

NM_022828.5(YTHDC2):c.1221A>G (p.Gln407=)

Gene: YTHDC2 (YTH N6-methyladenosine RNA binding protein C2; plus strand). Cytogenetic location: 5q22.2.
Variant type: single nucleotide variant.
Coding change: c.1221A>G on transcript NM_022828.5 (MANE Select); coding-DNA position 1221, A replaced by G.
Protein change: p.Gln407=; no amino-acid change (glutamine 407 retained).
Molecular consequence: synonymous variant.
Genome position (GRCh38, 1-based): chr5:113,540,978, A>G. VCF-style: chr5-113540978-A-G. GRCh37 (hg19) VCF-style: chr5-112876675-A-G.
Other names: c.735A>G, p.Gln245= (NM_001345975.2); c.321A>G, p.Gln107= (NM_001345976.2).
Identifiers: ClinVar variation 2655639 (VCV002655639.24), dbSNP rs368700965, ClinGen allele CA3371722.